The following is an entry in ClinVar:

ClinVar aggregate classification (germline): Uncertain significance. Review status: criteria provided, multiple submitters, no conflicts (2 of 4 stars). 5 submissions from 5 submitters: Uncertain significance (5). Last evaluated 2025-06-20.

Conditions:
Eichsfeld type congenital muscular dystrophy (CMYO3). Also called: MYOPATHY, SEPN1-RELATED; SELENON-related myopathy; Congenital myopathy 3 with rigid spine; Rigid spine muscular dystrophy 1. Identifiers: MedGen C0410180, MONDO:0100100, OMIM 602771.

Allele frequency attached by ClinVar (database versions not stated): ExAC 0.00002; gnomAD 0.00002 and 0.00001; TOPMed 0.00002; gnomAD exomes 0.00002.
gnomAD v4.1: 29 of 1,613,860 alleles (0.0018%); highest among the groups gnomAD compares: South Asian, 0.0044%; no homozygotes.

Submissions (5):

Labcorp Genetics (formerly Invitae), Labcorp
Classification: Uncertain significance for Eichsfeld type congenital muscular dystrophy. Last evaluated: 2025-06-20. Review status: criteria provided, single submitter. Criteria: Invitae Variant Classification Sherloc (09022015). Collection method: clinical testing. Allele origin: germline.
Comment: This sequence change replaces valine, which is neutral and non-polar, with isoleucine, which is neutral and non-polar, at codon 326 of the SELENON protein (p.Val326Ile). This variant is present in population databases (rs764032922, gnomAD 0.003%). This missense change has been observed in individual(s) with SELENON-related conditions (PMID: 32796131). ClinVar contains an entry for this variant (Variation ID: 1313309). An algorithm developed to predict the effect of missense changes on protein structure and function (PolyPhen-2) suggests that this variant is likely to be tolerated. In summary, the available evidence is currently insufficient to determine the role of this variant in disease. Therefore, it has been classified as a Variant of Uncertain Significance.

Women's Health and Genetics/Laboratory Corporation of America, LabCorp
Classification: Uncertain significance. Last evaluated: 2024-12-03. Review status: criteria provided, single submitter. Criteria: LabCorp Variant Classification Summary - May 2015. Collection method: clinical testing. Allele origin: germline.
Comment: Variant summary: SELENON c.976G>A (p.Val326Ile) results in a conservative amino acid change in the encoded protein sequence. Four of five in-silico tools predict a benign effect of the variant on protein function. The variant allele was found at a frequency of 2e-05 in 249432 control chromosomes. The available data on variant occurrences in the general population are insufficient to allow any conclusion about variant significance. c.976G>A has been reported in the literature in individuals affected with SEPN1-related myopathy without reported second variant (e.g. Villar-Quiles_2020). This report does not provide unequivocal conclusions about association of the variant with Eichsfeld Type Congenital Muscular Dystrophy. To our knowledge, no experimental evidence demonstrating an impact on protein function has been reported. The following publication has been ascertained in the context of this evaluation (PMID: 32796131). ClinVar contains an entry for this variant (Variation ID: 1313309). Based on the evidence outlined above, the variant was classified as uncertain significance.

Revvity Omics, Revvity
Classification: Uncertain significance for Eichsfeld type congenital muscular dystrophy. Last evaluated: 2024-06-28. Review status: criteria provided, single submitter. Criteria: ACMG Guidelines, 2015. Collection method: clinical testing. Allele origin: germline.

Broad Center for Mendelian Genomics, Broad Institute of MIT and Harvard
Classification: Uncertain significance. Last evaluated: 2023-01-24. Review status: criteria provided, single submitter. Criteria: ACMG Guidelines, 2015. Collection method: curation. Allele origin: germline. Inheritance: Autosomal recessive inheritance.
Comment: The p.Val326Ile variant in SELENON has been reported in at least 1 individual with SELENON-RM (PMID: 32796131) and has been identified in 0.003% (1/30602) of South Asian chromosomes by the Genome Aggregation Database (gnomAD; dbSNP ID: rs764032922). Although this variant has been seen in the general population in a heterozygous state, its frequency is low enough to be consistent with a recessive carrier frequency. This variant has also been reported in ClinVar (Variation ID#: 1313309) and has been interpreted as a variant of uncertain significance by GeneDx. Computational prediction tools, including splice predictors, and conservation analyses suggest that this variant may not impact the protein, though this information is not predictive enough to rule out pathogenicity. In summary, the clinical significance of the p.Val326Ile variant is uncertain. ACMG/AMP Criteria applied: PM2_supporting, BP4 (Richards 2015).

GeneDx
Classification: Uncertain significance. Last evaluated: 2020-10-15. Review status: criteria provided, single submitter. Criteria: GeneDx Variant Classification Process June 2021. Collection method: clinical testing. Allele origin: germline. Affected: yes.
Comment: Not observed at a significant frequency in large population cohorts (Lek et al., 2016); In silico analysis supports that this missense variant does not alter protein structure/function; Has not been previously published as pathogenic or benign to our knowledge; This variant is associated with the following publications: (PMID: 32796131)

Literature cited by the submitters: PubMed 32796131 (cited by Labcorp Genetics (formerly Invitae), Labcorp and Women's Health and Genetics/Laboratory Corporation of America, LabCorp).

NM_206926.2(SELENON):c.874G>A (p.Val292Ile)

Gene: SELENON (selenoprotein N; plus strand). Cytogenetic location: 1p36.11.
Variant type: single nucleotide variant.
Coding change: c.874G>A on transcript NM_206926.2 (MANE Select); coding-DNA position 874, G replaced by A.
Protein change: p.Val292Ile; replaces valine 292 with isoleucine.
Molecular consequence: missense variant.
Genome position (GRCh38, 1-based): chr1:25,809,786, G>A. VCF-style: chr1-25809786-G-A. GRCh37 (hg19) VCF-style: chr1-26136277-G-A.
Other names: NM_020451.3(SELENON):c.976G>A; p.Val326Ile; c.976G>A, p.Val326Ile (NM_020451.3); short protein forms V292I, V326I.
Identifiers: ClinVar variation 1313309 (VCV001313309.8), dbSNP rs764032922, ClinGen allele CA696699.